The following is an entry in ClinVar:

NM_000018.4(ACADVL):c.779C>T (p.Thr260Met)

Gene: ACADVL (acyl-CoA dehydrogenase very long chain; plus strand). Cytogenetic location: 17p13.1.
Variant type: single nucleotide variant.
Coding change: c.779C>T on transcript NM_000018.4 (MANE Select); coding-DNA position 779, C replaced by T.
Protein change: p.Thr260Met; replaces threonine 260 with methionine.
Molecular consequence: missense variant.
Genome position (GRCh38, 1-based): chr17:7,222,203, C>T. VCF-style: chr17-7222203-C-T. GRCh37 (hg19) VCF-style: chr17-7125522-C-T.
Other names: NM_000018.4(ACADVL):c.779C>T; c.713C>T, p.Thr238Met (NM_001033859.3); c.848C>T, p.Thr283Met (NM_001270447.2); c.551C>T, p.Thr184Met (NM_001270448.2); short protein forms T260M, T238M, T184M, T283M.
Identifiers: ClinVar variation 21024 (VCV000021024.54), dbSNP rs113994168, ClinGen allele CA341526.
Genomic context (GRCh38, chr17:7,222,203, plus strand): 5'-TCCTCCACGCCCTGAATATCCCATTCTTCCACAGTAATGGGGGCCTAGCAGACATCTTCA[C>T]GGTCTTTGCCAAGACACCAGTTACAGATCCAGCCACAGGAGCCGTGAAGGAGAAGATCAC-3'
Protein context (NP_000009.1, residues 250-270): ISNGGLADIF[Thr260Met]VFAKTPVTDP

ClinVar aggregate classification (germline): Likely pathogenic. Review status: reviewed by expert panel (3 of 4 stars). 15 submissions from 15 submitters: Likely pathogenic (1). 14 of the submissions do not count toward it. Last evaluated 2024-05-16.

Conditions:
ACADVL-related disorder. Also called: ACADVL-related condition.
Very long chain acyl-CoA dehydrogenase deficiency (ACADVLD). Also called: Very Long-Chain Acyl-Coenzyme A Dehydrogenase Deficiency; VLCAD Deficiency. Identifiers: Orphanet 26793, MedGen C3887523, MONDO:0008723, OMIM 201475.

Allele frequency attached by ClinVar (database versions not stated): gnomAD exomes 0.00002; gnomAD 0.00005; TOPMed 0.00005; ExAC 0.00002; ESP Exome Variant Server 0.00008.
gnomAD v4.1: 43 of 1,614,018 alleles (0.0027%); highest among the groups gnomAD compares: Non-Finnish European, 0.0031%; no homozygotes.

Submissions 1 to 7 of 15:

ClinGen ACADVL Variant Curation Expert Panel, ClinGen
Classification: Likely pathogenic for Very long chain acyl-CoA dehydrogenase deficiency. Last evaluated: 2024-05-16. Review status: reviewed by expert panel. Criteria: clingen acadvl acmg specifications v1. Collection method: curation. Allele origin: germline. Inheritance: Autosomal recessive inheritance.
Comment: The NM_000018.4(ACADVL): c.779C>T (p.Thr260Met) variant is a missense variant predicted to cause substitution of threonine by methionine at amino acid 260. This variant has been detected in individuals with very long chain acyl CoA dehydrogenase (VLCAD) deficiency and VLCAD enzyme activity of less than 20%, which is highly specific for VLCAD deficiency (PP4_Moderate, PMID: 8845838, 17374501, 32518924). This variant was found homozygous in two individuals with VLCAD deficiency (PM3, 1.0 point, PMIDs: 9327992, 32518924). Two enzyme activity assays in Cos-7 cells and E.coli showed residual enzyme activity between 3-5% of wildtype indicating that this variant impacts protein function (PMIDs: indicating that this variant impacts protein function (PMID: 9973285, 9973285; PS3_supporting). The highest population minor allele frequency in gnomAD v2.1.1 is 0.00002 in the non-Finnish European population, which is lower than the ClinGen ACADVL Variant Curation Expert Panel threshold (<0.001) for PM2_Supporting, meeting this criterion (PM2_Supporting). The computational predictor REVEL gives a score of 0.875, which is above the threshold of 0.75, evidence that correlates with impact to ACADVL function (PP3). In summary, this variant meets the criteria to be classified as likely pathogenic for autosomal recessive VLCAD deficiency based on the ACMG/AMP criteria applied, as specified by the ClinGen ACADVL Variant Curation Expert Panel: PM2_Supporting, PM3_moderate, PP3, PP4_Moderate, PS3_supporting (ACADVL VCEP specifications version 1; approved November 9, 2021).

Victorian Clinical Genetics Services, Murdoch Childrens Research Institute
Classification: Likely pathogenic for Very long chain acyl-CoA dehydrogenase deficiency. Last evaluated: 2026-04-24. Review status: criteria provided, single submitter. Criteria: ACMG Guidelines, 2015. Collection method: clinical testing. Allele origin: germline. Affected: yes. Not counted in ClinVar's aggregate classification.
Comment: This variant is classified as Likely pathogenic. Evidence in support of pathogenic classification: Variant is present in gnomAD <0.01 for a recessive condition (v4: 43 heterozygote(s), 0 homozygote(s)); This variant has strong previous evidence of pathogenicity in unrelated individuals. This variant has been classified as likely pathogenic for VLCAD deficiency by the ClinGen ACADVL Variant Curation Expert Panel; Missense variant predicted to be damaging by in silico tool(s) or highly conserved with a major amino acid change. Additional information: Variant is predicted to result in a missense amino acid change from Thr to Met; This variant is heterozygous; This gene is associated with autosomal recessive disease; Variant is located in the annotated Acyl-CoA dehydrogenase, middle domain (DECIPHER); Loss of function is a known mechanism of disease in this gene and is associated with VLCAD deficiency (MIM#201475); Variants in this gene are known to have variable expressivity. Clinical severity is dependent on how much residual enzyme activity remains (PMID: 31031081).

Labcorp Genetics (formerly Invitae), Labcorp
Classification: Pathogenic for Very long chain acyl-CoA dehydrogenase deficiency. Last evaluated: 2026-01-19. Review status: criteria provided, single submitter. Criteria: Invitae Variant Classification Sherloc (09022015). Collection method: clinical testing. Allele origin: germline. Not counted in ClinVar's aggregate classification.
Comment: This sequence change replaces threonine, which is neutral and polar, with methionine, which is neutral and non-polar, at codon 260 of the ACADVL protein (p.Thr260Met). This variant is present in population databases (rs113994168, gnomAD 0.003%). This missense change has been observed in individual(s) with very-long-chain acyl-CoA dehydrogenase deficiency (PMID: 9973285, 19327992, 20060901, 21932095). ClinVar contains an entry for this variant (Variation ID: 21024). Invitae Evidence Modeling of protein sequence and biophysical properties (such as structural, functional, and spatial information, amino acid conservation, physicochemical variation, residue mobility, and thermodynamic stability) indicates that this missense variant is expected to disrupt ACADVL protein function with a positive predictive value of 80%. Experimental studies have shown that this missense change affects ACADVL function (PMID: 9973285, 17374501, 19327992). For these reasons, this variant has been classified as Pathogenic.

CeGaT Center for Human Genetics Tuebingen
Classification: Pathogenic. Last evaluated: 2025-10-01. Review status: criteria provided, single submitter. Criteria: CeGaT Center For Human Genetics Tuebingen Variant Classification Criteria Version 2. Collection method: clinical testing. Allele origin: germline. Affected: yes. Observed: 1 variant allele. Not counted in ClinVar's aggregate classification.
Comment: ACADVL: PM3:Very Strong, PM2, PS3:Supporting

Natera, Inc.
Classification: Pathogenic for Very long chain acyl-CoA dehydrogenase deficiency. Last evaluated: 2025-09-22. Review status: criteria provided, single submitter. Criteria: Natera Variant Classification Schema (03/2026). Collection method: clinical testing. Allele origin: germline. Not counted in ClinVar's aggregate classification.
Comment: The c.779C>T variant in ACADVL is a missense variant predicted to cause substitution of threonine to methionine at amino acid 260. This variant is rare in the general population with a frequency below the threshold expected for the associated phenotype(s). This variant has been observed in one or more individuals affected with the associated recessive disease, as either homozygous or compound heterozygous with a second variant (PMID: 19327992, 27243974). Additionally, this variant has been observed to segregate in affected family members (PMID: 19327992). Functional studies show that this variant may disrupt protein function (PMID: 9973285). Computational prediction algorithms indicate this variant is likely to affect gene or protein function. Given the available evidence, this variant is classified as Pathogenic.

PreventionGenetics, part of Exact Sciences
Classification: Likely pathogenic for ACADVL-related condition. Last evaluated: 2025-05-27. Review status: criteria provided, single submitter. Criteria: ACMG Guidelines, 2015. Collection method: clinical testing. Allele origin: germline. Not counted in ClinVar's aggregate classification.
Comment: The ACADVL c.779C>T variant is predicted to result in the amino acid substitution p.Thr260Met. This variant has been reported, in the homozygous or compound heterozygous state, in individuals with clinical and/or biochemical features consistent with very long chain acyl-CoA dehydrogenase deficiency (VLCADD) (Laforêt et al. 2009. PubMed ID: 19327992; Mathur et al. 1999. PubMed ID: 10077518; Gobin-Limballe et al 2010. PubMed ID: 20060901; Bouvier et al. 2017. PubMed ID: 27943070). It has also been found in the heterozygous state, without a second ACADVL variant, in patients identified by newborn screening and found to exhibit residual VLCAD enzyme activity levels of ~25-30% (Hoffmann et al. 2012. PubMed ID: 21932095). The p.Thr260Met substitution has been reported to reduce enzyme activity and protein levels in various functional studies (Andresen et al. 1999. PubMed ID: 9973285; Goetzman et al. 2007. PubMed ID: 17374501; Gobin-Limballe et al. 2010. PubMed ID: 20060901). The c.779C>T variant has been classified as likely pathogenic by the ClinGen ACADVL Variant Curation Expert Panel. Based on this evidence, we interpret the c.779C>T (p.Thr260Met) variant as likely pathogenic.

Fulgent Genetics
Classification: Pathogenic for Very long chain acyl-CoA dehydrogenase deficiency. Last evaluated: 2024-03-13. Review status: criteria provided, single submitter. Criteria: ACMG Guidelines, 2015. Collection method: clinical testing. Allele origin: germline. Not counted in ClinVar's aggregate classification.